The following is an entry in ClinVar:

ClinVar aggregate classification (germline): Uncertain significance (1 of 4 stars; one submission).

Conditions:
Mendelian susceptibility to mycobacterial diseases due to complete IL12RB1 deficiency. Also called: IL12RB1 DEFICIENCY; Immunodeficiency 30. Identifiers: Orphanet 319552, MedGen C4013949, MONDO:0013955, OMIM 614891.

Submission:

Labcorp Genetics (formerly Invitae), Labcorp
Classification: Uncertain significance for Mendelian susceptibility to mycobacterial diseases due to complete IL12RB1 deficiency. Last evaluated: 2022-08-19. Review status: criteria provided, single submitter. Criteria: Invitae Variant Classification Sherloc (09022015). Collection method: clinical testing. Allele origin: germline.
Comment: In summary, the available evidence is currently insufficient to determine the role of this variant in disease. Therefore, it has been classified as a Variant of Uncertain Significance. This sequence change replaces isoleucine, which is neutral and non-polar, with valine, which is neutral and non-polar, at codon 347 of the IL12RB1 protein (p.Ile347Val). This variant is not present in population databases (gnomAD no frequency). This variant has not been reported in the literature in individuals affected with IL12RB1-related conditions. Algorithms developed to predict the effect of missense changes on protein structure and function output the following: SIFT: "Tolerated"; PolyPhen-2: "Benign"; Align-GVGD: "Class C0". The valine amino acid residue is found in multiple mammalian species, which suggests that this missense change does not adversely affect protein function.

NM_005535.3(IL12RB1):c.1039A>G (p.Ile347Val)

Gene: IL12RB1 (interleukin 12 receptor subunit beta 1; minus strand). Cytogenetic location: 19p13.11.
Variant type: single nucleotide variant.
Coding change: c.1039A>G on transcript NM_005535.3 (MANE Select); coding-DNA position 1039, A replaced by G.
Protein change: p.Ile347Val; replaces isoleucine 347 with valine.
Molecular consequence: missense variant.
Genome position (GRCh38, 1-based): chr19:18,069,696, T>C on the plus strand (A>G on the coding strand, the complement: IL12RB1 is on the minus strand). VCF-style: chr19-18069696-T-C. GRCh37 (hg19) VCF-style: chr19-18180506-T-C.
Other names: c.1039A>G, p.Ile347Val (NM_001290023.2); c.1159A>G, p.Ile387Val (NM_001290024.2); short protein forms I347V, I387V.
Identifiers: ClinVar variation 1972056 (VCV001972056.5), dbSNP rs1599485651, ClinGen allele CA404779085.
Genomic context (GRCh38, chr19:18,069,696, plus strand): 5'-ACGTCATGCTCTGAGCCCGGGCTGGCCAATACATGGTGGTCCCGTTGGTTCCGACGCTGA[T>C]ATTCAGAGCCACTGGTTCTGGAAGGAGAGGGGAGAGACGCATCGAGACAGTTGCCATCTC-3'
Protein context (NP_005526.1, residues 337-357): DTHTEPVALN[Ile347Val]SVGTNGTTMY